The following is an entry in ClinVar:

NM_001014.5(RPS10):c.285_287dup (p.Arg96_Ser97insArg)

Genes: RPS10 (ribosomal protein S10; minus strand), RPS10-NUDT3 (RPS10-NUDT3 readthrough; minus strand). Cytogenetic location: 6p21.31.
Variant type: Duplication.
Coding change: c.285_287dup on transcript NM_001014.5 (MANE Select); coding-DNA positions 285 to 287, 3 bases duplicated (CCG; older notation c.285_287dupCCG).
Protein change: p.Arg96_Ser97insArg.
Molecular consequence: inframe insertion.
Genome position (GRCh38, 1-based): chr6:34,424,704-34,424,706, CGG duplicated on the plus strand (CCG on the coding strand, the reverse complement: RPS10 is on the minus strand); duplicating any 3 consecutive bases within chr6:34,424,704-34,424,708 gives the same sequence; the c. name uses the placement nearest the transcript's 3' end. VCF-style (leftmost placement, unchanged base first): chr6-34424703-A-ACGG. GRCh37 (hg19) VCF-style: chr6-34392480-A-ACGG.
Other names: c.285_287dup, p.Arg96_Ser97insArg (NM_001202470.3, NM_001203245.3, NM_001204091.2).
Identifiers: ClinVar variation 4703638 (VCV004703638.1).

ClinVar aggregate classification (germline): Uncertain significance (1 of 4 stars; one submission).

Conditions:
Diamond-Blackfan anemia. Also called: Blackfan Diamond syndrome; Aregenerative anemia chronic congenital; Red cell aplasia, pure hereditary; Congenital hypoplastic anemia; Aase syndrome. Identifiers: Orphanet 124, MedGen C1260899, MeSH D029503, MONDO:0015253, HP:0004810.

Submission:

Labcorp Genetics (formerly Invitae), Labcorp
Classification: Uncertain significance for Diamond-Blackfan anemia. Last evaluated: 2025-10-27. Review status: criteria provided, single submitter. Criteria: Invitae Variant Classification Sherloc (09022015). Collection method: clinical testing. Allele origin: germline.
Comment: This variant, c.285_287dup, results in the insertion of 1 amino acid(s) of the RPS10 protein (p.Arg96dup), but otherwise preserves the integrity of the reading frame. This variant is present in population databases (no rsID available, gnomAD 0.003%). This variant has not been reported in the literature in individuals affected with RPS10-related conditions. In summary, the available evidence is currently insufficient to determine the role of this variant in disease. Therefore, it has been classified as a Variant of Uncertain Significance.